The following is an entry in ClinVar:

NM_004336.5(BUB1):c.324T>G (p.His108Gln)

Gene: BUB1 (BUB1 mitotic checkpoint serine/threonine kinase; minus strand). Cytogenetic location: 2q13.
Variant type: single nucleotide variant.
Coding change: c.324T>G on transcript NM_004336.5 (MANE Select); coding-DNA position 324, T replaced by G.
Protein change: p.His108Gln; replaces histidine 108 with glutamine.
Molecular consequence: missense variant.
Genome position (GRCh38, 1-based): chr2:110,672,759, A>C on the plus strand (T>G on the coding strand, the complement: BUB1 is on the minus strand). VCF-style: chr2-110672759-A-C. GRCh37 (hg19) VCF-style: chr2-111430336-A-C.
Other names: c.264T>G, p.His88Gln (NM_001278616.2); c.324T>G, p.His108Gln (NM_001278617.2); short protein forms H108Q, H88Q.
Identifiers: ClinVar variation 3262177 (VCV003262177.1).

ClinVar aggregate classification (germline): Uncertain significance (1 of 4 stars; one submission).

gnomAD v4.1: 2 of 1,614,188 alleles (0.00012%); highest among the groups gnomAD compares: Admixed American, 0.0033%; no homozygotes.

Submission:

Ambry Genetics
Classification: Uncertain significance. Last evaluated: 2024-06-18. Review status: criteria provided, single submitter. Criteria: Ambry Variant Classification Scheme 2023. Collection method: clinical testing. Allele origin: germline.
Comment: The p.H108Q variant (also known as c.324T>G), located in coding exon 4 of the BUB1 gene, results from a T to G substitution at nucleotide position 324. The histidine at codon 108 is replaced by glutamine, an amino acid with highly similar properties. This amino acid position is conserved. In addition, this alteration is predicted to be tolerated by in silico analysis. Based on the available evidence, the clinical significance of this variant remains unclear.